The following is an entry in ClinVar:

NM_002476.2(MYL4):c.217A>G (p.Ile73Val)

Gene: MYL4 (myosin light chain 4; plus strand). Cytogenetic location: 17q21.32.
Variant type: single nucleotide variant.
Coding change: c.217A>G on transcript NM_002476.2 (MANE Select); coding-DNA position 217, A replaced by G.
Protein change: p.Ile73Val; replaces isoleucine 73 with valine.
Molecular consequence: missense variant.
Genome position (GRCh38, 1-based): chr17:47,219,957, A>G. VCF-style: chr17-47219957-A-G. GRCh37 (hg19) VCF-style: chr17-45297323-A-G.
Other names: c.217A>G, p.Ile73Val (NM_001002841.2); short protein forms I73V.
Identifiers: ClinVar variation 4115007 (VCV004115007.2).

ClinVar aggregate classification (germline): Uncertain significance. Review status: criteria provided, multiple submitters, no conflicts (2 of 4 stars). 2 submissions from 2 submitters: Uncertain significance (2). Last evaluated 2025-11-16.

Conditions:
Atrial fibrillation, familial, 18 (ATFB18). Identifiers: MedGen C4310636, MONDO:0015001, OMIM 617280.

gnomAD v4.1: 1 of 1,614,074 alleles (0.000062%); highest among the groups gnomAD compares: Non-Finnish European, 0.000085%; no homozygotes.

Submissions (2):

Labcorp Genetics (formerly Invitae), Labcorp
Classification: Uncertain significance for Atrial fibrillation, familial, 18. Last evaluated: 2025-11-16. Review status: criteria provided, single submitter. Criteria: Invitae Variant Classification Sherloc (09022015). Collection method: clinical testing. Allele origin: germline.
Comment: This sequence change replaces isoleucine, which is neutral and non-polar, with valine, which is neutral and non-polar, at codon 73 of the MYL4 protein (p.Ile73Val). This variant is not present in population databases (gnomAD no frequency). This variant has not been reported in the literature in individuals affected with MYL4-related conditions. ClinVar contains an entry for this variant (Variation ID: 4115007). An algorithm developed to predict the effect of missense changes on protein structure and function (PolyPhen-2) suggests that this variant is likely to be disruptive. In summary, the available evidence is currently insufficient to determine the role of this variant in disease. Therefore, it has been classified as a Variant of Uncertain Significance.

Ambry Genetics
Classification: Uncertain significance. Last evaluated: 2025-08-28. Review status: criteria provided, single submitter. Criteria: Ambry Variant Classification Scheme 2023. Collection method: clinical testing. Allele origin: germline.